The following is an entry in ClinVar:

NM_001077418.3(TMEM231):c.511T>C (p.Tyr171His)

Gene: TMEM231 (transmembrane protein 231; minus strand). Cytogenetic location: 16q23.1.
Variant type: single nucleotide variant.
Coding change: c.511T>C on transcript NM_001077418.3 (MANE Select); coding-DNA position 511, T replaced by C.
Protein change: p.Tyr171His; replaces tyrosine 171 with histidine.
Molecular consequence: missense variant. On other transcripts: non-coding transcript variant (1).
Genome position (GRCh38, 1-based): chr16:75,545,423, A>G on the plus strand (T>C on the coding strand, the complement: TMEM231 is on the minus strand). VCF-style: chr16-75545423-A-G. GRCh37 (hg19) VCF-style: chr16-75579321-A-G.
Other names: c.670T>C, p.Tyr224His (NM_001077416.2); short protein forms Y171H, Y224H.
Identifiers: ClinVar variation 3581281 (VCV003581281.2).

ClinVar aggregate classification (germline): Uncertain significance. Review status: criteria provided, multiple submitters, no conflicts (2 of 4 stars). 2 submissions from 2 submitters: Uncertain significance (2). Last evaluated 2024-08-28.

Conditions:
Meckel syndrome, type 11 (MKS11). Identifiers: Orphanet 564, MedGen C3809352, MONDO:0014164, OMIM 615397.
Joubert syndrome 20 (JBTS20). Identifiers: Orphanet 475, MedGen C3554235, MONDO:0013994, OMIM 614970.

Submissions (2):

Labcorp Genetics (formerly Invitae), Labcorp
Classification: Uncertain significance for Joubert syndrome 20; Meckel syndrome, type 11. Last evaluated: 2024-08-28. Review status: criteria provided, single submitter. Criteria: Invitae Variant Classification Sherloc (09022015). Collection method: clinical testing. Allele origin: germline.
Comment: This sequence change replaces tyrosine, which is neutral and polar, with histidine, which is basic and polar, at codon 224 of the TMEM231 protein (p.Tyr224His). This variant is not present in population databases (gnomAD no frequency). This variant has not been reported in the literature in individuals affected with TMEM231-related conditions. An algorithm developed to predict the effect of missense changes on protein structure and function outputs the following: PolyPhen-2: "Not Available". The histidine amino acid residue is found in multiple mammalian species, which suggests that this missense change does not adversely affect protein function. In summary, the available evidence is currently insufficient to determine the role of this variant in disease. Therefore, it has been classified as a Variant of Uncertain Significance.

Fulgent Genetics
Classification: Uncertain significance for Joubert syndrome 20; Meckel syndrome, type 11. Last evaluated: 2024-05-31. Review status: criteria provided, single submitter. Criteria: ACMG Guidelines, 2015. Collection method: clinical testing. Allele origin: germline.